The following is an entry in ClinVar:

ClinVar aggregate classification (germline): Uncertain significance (1 of 4 stars; one submission).

Allele frequency attached by ClinVar (database versions not stated): gnomAD exomes below 0.00001.
gnomAD v4.1: 1 of 1,613,464 alleles (0.000062%); highest among the groups gnomAD compares: Non-Finnish European, 0.000085%; no homozygotes.

Submission:

CeGaT Center for Human Genetics Tuebingen
Classification: Uncertain significance. Last evaluated: 2022-09-01. Review status: criteria provided, single submitter. Criteria: CeGaT Center For Human Genetics Tuebingen Variant Classification Criteria Version 2. Collection method: clinical testing. Allele origin: germline. Affected: yes. Observed: 1 variant allele.
Comment: PACS1: PM2, PVS1:Supporting

NM_018026.4(PACS1):c.2250+1G>A

Gene: PACS1 (phosphofurin acidic cluster sorting protein 1; plus strand). Cytogenetic location: 11q13.2.
Variant type: single nucleotide variant.
Coding change: c.2250+1G>A on transcript NM_018026.4 (MANE Select); the canonical splice donor site of the intron after coding-DNA position 2250, G replaced by A.
Molecular consequence: splice donor variant.
Genome position (GRCh38, 1-based): chr11:66,235,941, G>A. VCF-style: chr11-66235941-G-A. GRCh37 (hg19) VCF-style: chr11-66003412-G-A.
Identifiers: ClinVar variation 1711320 (VCV001711320.30), dbSNP rs1855695158, ClinGen allele CA381377311.